The following is an entry in ClinVar:

ClinVar aggregate classification (germline): Uncertain significance (1 of 4 stars; one submission).

gnomAD v4.1: 1 of 1,519,862 alleles (0.000066%); highest among the groups gnomAD compares: Non-Finnish European, 0.000088%; no homozygotes.

Submission:

Mayo Clinic Laboratories, Mayo Clinic
Classification: Uncertain significance. Last evaluated: 2023-09-27. Review status: criteria provided, single submitter. Criteria: ACMG Guidelines, 2015. Collection method: clinical testing. Allele origin: germline. Observed: 1 variant allele.
Comment: BP4

NM_213720.3(CHCHD10):c.20G>A (p.Ser7Asn)

Gene: CHCHD10 (coiled-coil-helix-coiled-coil-helix domain containing 10; minus strand). Cytogenetic location: 22q11.23.
Variant type: single nucleotide variant.
Coding change: c.20G>A on transcript NM_213720.3 (MANE Select); coding-DNA position 20, G replaced by A.
Protein change: p.Ser7Asn; replaces serine 7 with asparagine.
Molecular consequence: missense variant. On other transcripts: non-coding transcript variant (2).
Genome position (GRCh38, 1-based): chr22:23,767,855, C>T on the plus strand (G>A on the coding strand, the complement: CHCHD10 is on the minus strand). VCF-style: chr22-23767855-C-T. GRCh37 (hg19) VCF-style: chr22-24110042-C-T.
Other names: p.Ser7Asn; c.20G>A, p.Ser7Asn (NM_001301339.2); short protein forms S7N.
Identifiers: ClinVar variation 3380702 (VCV003380702.1).